The following is an entry in ClinVar:

ClinVar aggregate classification (germline): Uncertain significance (1 of 4 stars; one submission).

Conditions:
Spermatogenic failure 18. Identifiers: MedGen C4539783, MONDO:0054615, OMIM 617576.
Ciliary dyskinesia, primary, 37 (CILD37). Also called: CILIARY DYSKINESIA, PRIMARY, 37, WITH OR WITHOUT SITUS INVERSUS. Identifiers: MedGen C4539798, MONDO:0033204, OMIM 617577.

Submission:

Labcorp Genetics (formerly Invitae), Labcorp
Classification: Uncertain significance for Ciliary dyskinesia, primary, 37; Spermatogenic failure 18. Last evaluated: 2024-11-11. Review status: criteria provided, single submitter. Criteria: Invitae Variant Classification Sherloc (09022015). Collection method: clinical testing. Allele origin: germline.
Comment: This sequence change replaces glutamic acid, which is acidic and polar, with glycine, which is neutral and non-polar, at codon 1089 of the DNAH1 protein (p.Glu1089Gly). This variant is not present in population databases (gnomAD no frequency). This variant has not been reported in the literature in individuals affected with DNAH1-related conditions. Invitae Evidence Modeling of protein sequence and biophysical properties (such as structural, functional, and spatial information, amino acid conservation, physicochemical variation, residue mobility, and thermodynamic stability) has been performed for this missense variant. However, the output from this modeling did not meet the statistical confidence thresholds required to predict the impact of this variant on DNAH1 protein function. In summary, the available evidence is currently insufficient to determine the role of this variant in disease. Therefore, it has been classified as a Variant of Uncertain Significance.

NM_015512.5(DNAH1):c.3266A>G (p.Glu1089Gly)

Gene: DNAH1 (dynein axonemal heavy chain 1; plus strand). Cytogenetic location: 3p21.1.
Variant type: single nucleotide variant.
Coding change: c.3266A>G on transcript NM_015512.5 (MANE Select); coding-DNA position 3266, A replaced by G.
Protein change: p.Glu1089Gly; replaces glutamic acid 1089 with glycine.
Molecular consequence: missense variant.
Genome position (GRCh38, 1-based): chr3:52,353,419, A>G. VCF-style: chr3-52353419-A-G. GRCh37 (hg19) VCF-style: chr3-52387435-A-G.
Other names: short protein forms E1089G.
Identifiers: ClinVar variation 3750925 (VCV003750925.2).